The following is an entry in ClinVar:

ClinVar aggregate classification (germline): Likely benign. Review status: criteria provided, multiple submitters, no conflicts (2 of 4 stars). 5 submissions from 5 submitters: Likely benign (4). 1 of the submissions does not count toward it. Last evaluated 2026-01-27.

Conditions:
Hereditary cancer-predisposing syndrome. Also called: Hereditary neoplastic syndrome; Neoplastic Syndromes, Hereditary; Hereditary Cancer Syndrome; Tumor predisposition. Identifiers: Orphanet 140162, MedGen C0027672, MeSH D009386, MONDO:0015356.
Carney complex, type 1 (CNC1). Also called: CARNEY MYXOMA-ENDOCRINE COMPLEX; CARNEY COMPLEX, TYPE I. Identifiers: Orphanet 1359, MedGen C2607929, MONDO:0008057, OMIM 160980.
PRKAR1A-related disorder. Also called: PRKAR1A-related condition.

Allele frequency attached by ClinVar (database versions not stated): gnomAD exomes 0.00002; TOPMed 0.00002; ExAC 0.00003; ESP Exome Variant Server 0.00008.
gnomAD v4.1: 20 of 1,613,548 alleles (0.0012%); highest among the groups gnomAD compares: Non-Finnish European, 0.0015%; no homozygotes.

Submissions (5):

Labcorp Genetics (formerly Invitae), Labcorp
Classification: Likely benign for Carney complex, type 1. Last evaluated: 2026-01-27. Review status: criteria provided, single submitter. Criteria: Invitae Variant Classification Sherloc (09022015). Collection method: clinical testing. Allele origin: germline.

Blueprint Genetics
Classification: Likely benign. Last evaluated: 2024-09-02. Review status: criteria provided, single submitter. Criteria: ACMG Guidelines, 2015. Collection method: clinical testing. Allele origin: germline.

Women's Health and Genetics/Laboratory Corporation of America, LabCorp
Classification: Likely benign. Last evaluated: 2022-01-10. Review status: criteria provided, single submitter. Criteria: LabCorp Variant Classification Summary - May 2015. Collection method: clinical testing. Allele origin: germline.

Ambry Genetics
Classification: Likely benign for Hereditary cancer-predisposing syndrome. Last evaluated: 2017-12-05. Review status: criteria provided, single submitter. Criteria: Ambry Variant Classification Scheme 2023. Collection method: clinical testing. Allele origin: germline.

PreventionGenetics, part of Exact Sciences
Classification: Likely benign for PRKAR1A-related condition. Last evaluated: 2023-11-20. Review status: no assertion criteria provided. Collection method: clinical testing. Allele origin: germline. Not counted in ClinVar's aggregate classification.
Comment: This variant is classified as likely benign based on ACMG/AMP sequence variant interpretation guidelines (Richards et al. 2015 PMID: 25741868, with internal and published modifications).

NM_002734.5(PRKAR1A):c.60C>G (p.Leu20=)

Gene: PRKAR1A (protein kinase cAMP-dependent type I regulatory subunit alpha; plus strand). Cytogenetic location: 17q24.2.
Variant type: single nucleotide variant.
Coding change: c.60C>G on transcript NM_002734.5 (MANE Select); coding-DNA position 60, C replaced by G.
Protein change: p.Leu20=; no amino-acid change (leucine 20 retained).
Molecular consequence: synonymous variant.
Genome position (GRCh38, 1-based): chr17:68,515,459, C>G. VCF-style: chr17-68515459-C-G. GRCh37 (hg19) VCF-style: chr17-66511600-C-G.
Other names: c.60C>G, p.Leu20= (NM_001276289.2, NM_001276290.1, NM_001278433.2 and 4 more transcripts).
Identifiers: ClinVar variation 469070 (VCV000469070.18), dbSNP rs372451862, ClinGen allele CA8729145.